The following is an entry in ClinVar:

ClinVar aggregate classification (germline): Uncertain significance (1 of 4 stars; one submission).

Submission:

Labcorp Genetics (formerly Invitae), Labcorp
Classification: Uncertain significance. Last evaluated: 2020-11-25. Review status: criteria provided, single submitter. Criteria: Invitae Variant Classification Sherloc (09022015). Collection method: clinical testing. Allele origin: germline.
Comment: This sequence change replaces asparagine with threonine at codon 327 of the ZNF341 protein (p.Asn327Thr). The asparagine residue is highly conserved and there is a small physicochemical difference between asparagine and threonine. This variant is not present in population databases (ExAC no frequency). This variant has not been reported in the literature in individuals with ZNF341-related conditions. Algorithms developed to predict the effect of missense changes on protein structure and function are either unavailable or do not agree on the potential impact of this missense change (SIFT: "Tolerated"; PolyPhen-2: "Probably Damaging"; Align-GVGD: "Class C0"). In summary, the available evidence is currently insufficient to determine the role of this variant in disease. Therefore, it has been classified as a Variant of Uncertain Significance.

NM_001282933.2(ZNF341):c.1001A>C (p.Asn334Thr)

Gene: ZNF341 (zinc finger protein 341; plus strand). Cytogenetic location: 20q11.22.
Variant type: single nucleotide variant.
Coding change: c.1001A>C on transcript NM_001282933.2 (MANE Select); coding-DNA position 1001, A replaced by C.
Protein change: p.Asn334Thr; replaces asparagine 334 with threonine.
Molecular consequence: missense variant. On other transcripts: non-coding transcript variant (1).
Genome position (GRCh38, 1-based): chr20:33,758,779, A>C. VCF-style: chr20-33758779-A-C. GRCh37 (hg19) VCF-style: chr20-32346585-A-C.
Other names: c.731A>C, p.Asn244Thr (NM_001282935.2); c.980A>C, p.Asn327Thr (NM_032819.5); short protein forms N244T, N334T, N327T.
Identifiers: ClinVar variation 1488681 (VCV001488681.8), dbSNP rs2122679329, ClinGen allele CA408653068.